The following is an entry in ClinVar:

ClinVar aggregate classification (germline): Pathogenic. Review status: criteria provided, multiple submitters, no conflicts (2 of 4 stars). 2 submissions from 2 submitters: Pathogenic (2). Last evaluated 2025-02-28.

Conditions:
Hereditary cancer-predisposing syndrome. Also called: Hereditary neoplastic syndrome; Tumor predisposition; Neoplastic Syndromes, Hereditary; Hereditary Cancer Syndrome. Identifiers: Orphanet 140162, MedGen C0027672, MeSH D009386, MONDO:0015356.
Fanconi anemia complementation group J. Also called: BRIP1-Related Fanconi Anemia. Identifiers: Orphanet 84, MedGen C1836860, MONDO:0012187, OMIM 609054.
Familial cancer of breast. Also called: BREAST CANCER, FAMILIAL; Hereditary breast cancer; hereditary breast carcinoma. Identifiers: Orphanet 227535, MedGen C0346153, MONDO:0016419, OMIM 114480. Disease mechanism: loss of function.

Submissions (2):

Ambry Genetics
Classification: Pathogenic for Hereditary cancer-predisposing syndrome. Last evaluated: 2025-02-28. Review status: criteria provided, single submitter. Criteria: Ambry Variant Classification Scheme 2023. Collection method: clinical testing. Allele origin: germline.
Comment: The c.1727delA pathogenic mutation, located in coding exon 11 of the BRIP1 gene, results from a deletion of one nucleotide at nucleotide position 1727, causing a translational frameshift with a predicted alternate stop codon (p.N576Ifs*14). This alteration is expected to result in loss of function by premature protein truncation or nonsense-mediated mRNA decay. As such, this alteration is interpreted as a disease-causing mutation.

Labcorp Genetics (formerly Invitae), Labcorp
Classification: Pathogenic for Familial cancer of breast; Fanconi anemia complementation group J. Last evaluated: 2022-06-21. Review status: criteria provided, single submitter. Criteria: Invitae Variant Classification Sherloc (09022015). Collection method: clinical testing. Allele origin: germline.
Comment: For these reasons, this variant has been classified as Pathogenic. This variant has not been reported in the literature in individuals affected with BRIP1-related conditions. This variant is not present in population databases (gnomAD no frequency). This sequence change creates a premature translational stop signal (p.Asn576Ilefs*14) in the BRIP1 gene. It is expected to result in an absent or disrupted protein product. Loss-of-function variants in BRIP1 are known to be pathogenic (PMID: 16116423, 17033622, 21964575).

Literature cited by the submitters: PubMed 16116423 (cited by Labcorp Genetics (formerly Invitae), Labcorp); PubMed 17033622 (cited by Labcorp Genetics (formerly Invitae), Labcorp); PubMed 21964575 (cited by Labcorp Genetics (formerly Invitae), Labcorp).

NM_032043.3(BRIP1):c.1727del (p.Asn576fs)

Gene: BRIP1 (BRCA1 interacting DNA helicase 1; minus strand). Cytogenetic location: 17q23.2.
Variant type: Deletion.
Coding change: c.1727del on transcript NM_032043.3 (MANE Select); coding-DNA position 1727, one base deleted (A; older notation c.1727delA).
Protein change: p.Asn576fs; shifts the reading frame from asparagine 576.
Molecular consequence: frameshift variant.
Genome position (GRCh38, 1-based): chr17:61,780,907, T deleted on the plus strand (A on the coding strand, the reverse complement: BRIP1 is on the minus strand); the first of 6 consecutive T bases (chr17:61,780,907-61,780,912); deleting any one gives the same sequence. VCF-style (leftmost placement, unchanged base first): chr17-61780906-AT-A. GRCh37 (hg19) VCF-style: chr17-59858267-AT-A.
Other names: c.1727delA (NM_032043.2); short protein forms N576fs.
Identifiers: ClinVar variation 2419145 (VCV002419145.6), dbSNP rs587778131, ClinGen allele CA2580094517.